The following is an entry in ClinVar:

ClinVar aggregate classification (germline): Uncertain significance. Review status: criteria provided, multiple submitters, no conflicts (2 of 4 stars). 2 submissions from 2 submitters: Uncertain significance (2). Last evaluated 2023-11-06.

Conditions:
Myopathy, centronuclear, 5 (CNM5). Identifiers: Orphanet 169186, MedGen C4014814, MONDO:0014418, OMIM 615959.

Allele frequency attached by ClinVar (database versions not stated): 1000 Genomes Project 30x 0.00016; 1000 Genomes Project 0.00020.

Submissions (2):

Revvity Omics, Revvity
Classification: Uncertain significance for Myopathy, centronuclear, 5. Last evaluated: 2023-11-06. Review status: criteria provided, single submitter. Criteria: ACMG Guidelines, 2015. Collection method: clinical testing. Allele origin: germline.

Labcorp Genetics (formerly Invitae), Labcorp
Classification: Uncertain significance. Last evaluated: 2022-12-02. Review status: criteria provided, single submitter. Criteria: Invitae Variant Classification Sherloc (09022015). Collection method: clinical testing. Allele origin: germline.
Comment: In summary, the available evidence is currently insufficient to determine the role of this variant in disease. Therefore, it has been classified as a Variant of Uncertain Significance. Algorithms developed to predict the effect of missense changes on protein structure and function are either unavailable or do not agree on the potential impact of this missense change (SIFT: "Deleterious"; PolyPhen-2: "Benign"; Align-GVGD: "Class C0"). ClinVar contains an entry for this variant (Variation ID: 1388412). This variant has not been reported in the literature in individuals affected with SPEG-related conditions. The frequency data for this variant in the population databases is considered unreliable, as metrics indicate poor data quality at this position in the gnomAD database. This sequence change replaces arginine, which is basic and polar, with tryptophan, which is neutral and slightly polar, at codon 114 of the SPEG protein (p.Arg114Trp).

NM_005876.5(SPEG):c.340C>T (p.Arg114Trp)

Gene: SPEG (striated muscle enriched protein kinase; plus strand). Cytogenetic location: 2q35.
Variant type: single nucleotide variant.
Coding change: c.340C>T on transcript NM_005876.5 (MANE Select); coding-DNA position 340, C replaced by T.
Protein change: p.Arg114Trp; replaces arginine 114 with tryptophan.
Molecular consequence: missense variant.
Genome position (GRCh38, 1-based): chr2:219,435,317, C>T. VCF-style: chr2-219435317-C-T. GRCh37 (hg19) VCF-style: chr2-220300039-C-T.
Other names: short protein forms R114W.
Identifiers: ClinVar variation 1388412 (VCV001388412.8), dbSNP rs570323054, ClinGen allele CA65993571.
Genomic context (GRCh38, chr2:219,435,317, plus strand): 5'-TGGCTGCGGCGCTGCGGGGCGCAGGACGCCGGCGTGTACAGCTGCATGGCCCAGAACGAG[C>T]GGGGCCGGGCCTCCTGCGAGGCGGTGCTCACAGTGCTGGAGGTCGGAGGTAAAGGGCAGG-3'
Protein context (NP_005867.3, residues 104-124): GVYSCMAQNE[Arg114Trp]GRASCEAVLT